The following is an entry in ClinVar:

ClinVar aggregate classification (germline): Uncertain significance (1 of 4 stars; one submission).

Submission:

Women's Health and Genetics/Laboratory Corporation of America, LabCorp
Classification: Uncertain significance. Last evaluated: 2023-10-03. Review status: criteria provided, single submitter. Criteria: LabCorp Variant Classification Summary - May 2015. Collection method: clinical testing. Allele origin: germline.
Comment: Variant summary: ARID2 c.4213_4214delinsTT (p.Asp1405Phe) results in a non-conservative amino acid change in the encoded protein sequence. Two of three in-silico tools predict a benign effect of the variant on protein function. The variant was absent in 250672 control chromosomes. The available data on variant occurrences in the general population are insufficient to allow any conclusion about variant significance. To our knowledge, no occurrence of c.4213_4214delinsTT in individuals affected with Coffin-Siris Syndrome 6 and no experimental evidence demonstrating its impact on protein function have been reported. No submitters have cited clinical-significance assessments for this variant to ClinVar after 2014. Based on the evidence outlined above, the variant was classified as uncertain significance.

NM_152641.4(ARID2):c.4213_4214delinsTT (p.Asp1405Phe)

Gene: ARID2 (AT-rich interaction domain 2; plus strand). Cytogenetic location: 12q12.
Variant type: Indel.
Coding change: c.4213_4214delinsTT on transcript NM_152641.4 (MANE Select); coding-DNA positions 4213 to 4214, GA replaced by TT.
Protein change: p.Asp1405Phe; replaces aspartic acid 1405 with phenylalanine.
Molecular consequence: missense variant.
Genome position (GRCh38, 1-based): chr12:45,852,336-45,852,337, GA replaced by TT. VCF-style: chr12-45852336-GA-TT. GRCh37 (hg19) VCF-style: chr12-46246119-GA-TT.
Other names: c.4213_4214delinsTT, p.Asp1405Phe (NM_001347839.2); short protein forms D1405F.
Identifiers: ClinVar variation 2637537 (VCV002637537.1), dbSNP rs2547663275, ClinGen allele CA2695199065.